The following is an entry in ClinVar:

ClinVar aggregate classification (germline): Likely benign. Review status: criteria provided, multiple submitters, no conflicts (2 of 4 stars). 3 submissions from 3 submitters: Likely benign (3). Last evaluated 2023-12-13.

Conditions:
Familial thoracic aortic aneurysm and aortic dissection (TAAD). Also called: Thoracic aortic aneurysms and dissections. Identifiers: Orphanet 91387, MedGen C4707243, MONDO:0019625.
Marfan syndrome (MFS). Also called: FBN1-Related Marfan Syndrome; MARFAN SYNDROME, TYPE I; Marfan syndrome type 1; Marfan's syndrome; Marfan syndrome, classic. Identifiers: Orphanet 284963, Orphanet 558, MedGen C0024796, MONDO:0007947, OMIM 154700.

Submissions (3):

All of Us Research Program, National Institutes of Health
Classification: Likely benign for Marfan syndrome. Last evaluated: 2023-12-13. Review status: criteria provided, single submitter. Criteria: ACMG Guidelines, 2015. Collection method: clinical testing. Allele origin: germline. Inheritance: Autosomal dominant inheritance. Observed: 1 variant allele, 1 heterozygote.
Comment: This study involves interpretation of variants in research participants for the purpose of population health screening. Participant phenotype was not available at the time of variant classification. Additional details can be found in publication PMID: 35346344, PMCID: PMC8962531

Labcorp Genetics (formerly Invitae), Labcorp
Classification: Likely benign for Marfan syndrome; Familial thoracic aortic aneurysm and aortic dissection. Last evaluated: 2022-11-15. Review status: criteria provided, single submitter. Criteria: Invitae Variant Classification Sherloc (09022015). Collection method: clinical testing. Allele origin: germline.

Color Diagnostics, LLC DBA Color Health
Classification: Likely benign for Familial thoracic aortic aneurysm and aortic dissection. Last evaluated: 2022-03-23. Review status: criteria provided, single submitter. Criteria: ACMG Guidelines, 2015. Collection method: clinical testing. Allele origin: germline.

NM_000138.5(FBN1):c.726A>T (p.Gly242=)

Gene: FBN1 (fibrillin 1; minus strand). Cytogenetic location: 15q21.1.
Variant type: single nucleotide variant.
Coding change: c.726A>T on transcript NM_000138.5 (MANE Select); coding-DNA position 726, A replaced by T.
Protein change: p.Gly242=; no amino-acid change (glycine 242 retained).
Molecular consequence: synonymous variant.
Genome position (GRCh38, 1-based): chr15:48,537,621, T>A on the plus strand (A>T on the coding strand, the complement: FBN1 is on the minus strand). VCF-style: chr15-48537621-T-A. GRCh37 (hg19) VCF-style: chr15-48829818-T-A.
Other names: c.726A>T, p.Gly242= (NM_001406716.1, NM_001406717.1).
Identifiers: ClinVar variation 2773396 (VCV002773396.6), dbSNP rs2505661101, ClinGen allele CA490089985.